The following is an entry in ClinVar:

NM_004973.4(JARID2):c.3413G>A (p.Arg1138Lys)

Gene: JARID2 (jumonji and AT-rich interaction domain containing 2; plus strand). Cytogenetic location: 6p22.3.
Variant type: single nucleotide variant.
Coding change: c.3413G>A on transcript NM_004973.4 (MANE Select); coding-DNA position 3413, G replaced by A.
Protein change: p.Arg1138Lys; replaces arginine 1138 with lysine.
Molecular consequence: missense variant.
Genome position (GRCh38, 1-based): chr6:15,513,385, G>A. VCF-style: chr6-15513385-G-A. GRCh37 (hg19) VCF-style: chr6-15513616-G-A.
Other names: c.2897G>A, p.Arg966Lys (NM_001267040.1); short protein forms R1138K, R966K.
Identifiers: ClinVar variation 4532019 (VCV004532019.1).

ClinVar aggregate classification (germline): Uncertain significance (1 of 4 stars; one submission).

Conditions:
Developmental delay with variable intellectual disability and dysmorphic facies. Identifiers: MedGen C5774242, MONDO:0859306, OMIM 620098.

Submission:

Victorian Clinical Genetics Services, Murdoch Childrens Research Institute
Classification: Uncertain significance for Developmental delay with variable intellectual disability and dysmorphic facies. Last evaluated: 2025-05-14. Review status: criteria provided, single submitter. Criteria: ACMG Guidelines, 2015. Collection method: clinical testing. Allele origin: germline. Affected: yes.
Comment: This variant is classified as VUS-3B. Evidence in support of pathogenic classification: Variant is absent from gnomAD (v2, v3 and v4). Additional information: Variant is predicted to result in a missense amino acid change from arginine to lysine; This variant is heterozygous; This gene is associated with autosomal dominant disease; This variant has no previous evidence of pathogenicity; No published segregation evidence has been identified for this variant; No published functional evidence has been identified for this variant; No comparable missense variants have previous evidence for pathogenicity; Variant is not located in an established domain, motif, hotspot or informative constraint region; Missense variant with inconclusive in silico prediction and uninformative conservation; Loss of function is a known mechanism of disease in this gene and is associated with developmental delay with variable intellectual disability and dysmorphic facies (MIM#620098; PMID: 33077894); Variants in this gene are known to have variable expressivity (OMIM, PMID: 33077894); Inheritance information for this variant is not currently available in this individual.

Literature cited by the submitters: PubMed 33077894.